The following is an entry in ClinVar:

NM_000088.4(COL1A1):c.1382G>C (p.Gly461Ala)

Gene: COL1A1 (collagen type I alpha 1 chain; minus strand). Cytogenetic location: 17q21.33.
Variant type: single nucleotide variant.
Coding change: c.1382G>C on transcript NM_000088.4 (MANE Select); coding-DNA position 1382, G replaced by C.
Protein change: p.Gly461Ala; replaces glycine 461 with alanine.
Molecular consequence: missense variant.
Genome position (GRCh38, 1-based): chr17:50,194,800, C>G on the plus strand (G>C on the coding strand, the complement: COL1A1 is on the minus strand). VCF-style: chr17-50194800-C-G. GRCh37 (hg19) VCF-style: chr17-48272161-C-G.
Other names: short protein forms G461A.
Identifiers: ClinVar variation 811718 (VCV000811718.9), dbSNP rs1598296202, ClinGen allele CA400218422.

ClinVar aggregate classification (germline): Likely pathogenic (1 of 4 stars; one submission).

Submission:

ARUP Laboratories, Molecular Genetics and Genomics, ARUP Laboratories
Classification: Likely pathogenic. Last evaluated: 2023-11-03. Review status: criteria provided, single submitter. Criteria: ARUP Molecular Germline Variant Investigation Process 2024. Collection method: clinical testing. Allele origin: germline.
Comment: The COL1A1 c.1382G>C; p.Gly461Ala variant, to our knowledge, is not described in the medical literature or in gene-specific databases. It is also absent from general population databases (1000 Genomes Project, Exome Variant Server, and Genome Aggregation Database), indicating it is not a common polymorphism. This variant disrupts the repeating Gly-X-Y sequence motif of the collagen triple helix and is predicted to impair collagen function (Ben Amor 2011). Additionally, another variant at this codon (c.1381G>A; p.Gly461Ser) as well as several other surrounding glycine substitutions in this exon have been reported in individuals affected with osteogenesis imperfect type II and are considered pathogenic (Marini 2007). Based on available information, the p.Gly461Ala variant is considered likely pathogenic. REFERENCES Ben Amor I et al. Genotype-phenotype correlations in autosomal dominant osteogenesis imperfecta. J Osteoporos. 2011; 2011:540178. Marini J et al. Consortium for osteogenesis imperfecta mutations in the helical domain of type I collagen: regions rich in lethal mutations align with collagen binding sites for integrins and proteoglycans. Hum Mutat. 2007 Mar;28(3):209-21.